The following is an entry in ClinVar:

NM_001009944.3(PKD1):c.385T>C (p.Cys129Arg)

Gene: PKD1 (polycystin 1, transient receptor potential channel interacting; minus strand). Cytogenetic location: 16p13.3.
Variant type: single nucleotide variant.
Coding change: c.385T>C on transcript NM_001009944.3 (MANE Select); coding-DNA position 385, T replaced by C.
Protein change: p.Cys129Arg; replaces cysteine 129 with arginine.
Molecular consequence: missense variant.
Genome position (GRCh38, 1-based): chr16:2,118,820, A>G on the plus strand (T>C on the coding strand, the complement: PKD1 is on the minus strand). VCF-style: chr16-2118820-A-G. GRCh37 (hg19) VCF-style: chr16-2168821-A-G.
Other names: c.385T>C, p.Cys129Arg (NM_000296.4); short protein forms C129R.
Identifiers: ClinVar variation 3383565 (VCV003383565.3).

ClinVar aggregate classification (germline): Conflicting classifications of pathogenicity. Review status: criteria provided, conflicting classifications (1 of 4 stars). 3 submissions from 3 submitters: Likely pathogenic (2); Uncertain significance (1). Last evaluated 2025-09-03.

Conditions:
Autosomal dominant polycystic kidney disease. Identifiers: Orphanet 730, MedGen C0085413, MONDO:0004691.
Polycystic kidney disease, adult type (PKD1). Also called: Polycystic Kidney, Autosomal Dominant; POLYCYSTIC KIDNEY DISEASE, ADULT, TYPE I; Polycystic Kidney Disease 1, Autosomal Dominant; Polycystic kidney disease 1; Polycystic kidney disease 1, severe; POLYCYSTIC KIDNEY DISEASE 1 WITH OR WITHOUT POLYCYSTIC LIVER DISEASE. Identifiers: MedGen C3149841, MONDO:0008263, OMIM 173900.

Submissions (3):

Division of Genetic & Genomic Pathology, Hong Kong Children's Hospital
Classification: Likely pathogenic for Autosomal dominant polycystic kidney disease. Last evaluated: 2025-09-03. Review status: criteria provided, single submitter. Criteria: ACMG Guidelines, 2015. Collection method: clinical testing. Allele origin: somatic. Affected: yes.
Comment: PKD1:c.385T>C p.(Cys129Arg) is located in exon 4 (out of 46 exons) of the gene. It is absent in population control exomes and genomes (gnomAD 4.0.0). The variant is deposited in ClinVar with one submission as likely pathogenic and another one as uncertain significance (accession: VCV003383565.2). It has been reported in two probands with autosomal dominant polycystic kidney disease in the literature (PMID: 22508176, 29529603) and was shown to co-segregate in affected family members (PMID: 29529603). In silico prediction using REVEL supports a deleterious effect on gene (REVEL score 0.923).

GeneDx
Classification: Uncertain significance. Last evaluated: 2024-05-23. Review status: criteria provided, single submitter. Criteria: GeneDx Variant Classification Process June 2021. Collection method: clinical testing. Allele origin: germline. Affected: yes.
Comment: Identified in two unrelated individuals with ADPKD in the published literature (PMID: 29529603, 22508176); In silico analysis supports that this missense variant has a deleterious effect on protein structure/function; Not observed at significant frequency in large population cohorts (gnomAD); This variant is associated with the following publications: (PMID: 23431072, 29529603, 22508176)

Fulgent Genetics
Classification: Likely pathogenic for Polycystic kidney disease, adult type. Last evaluated: 2024-01-13. Review status: criteria provided, single submitter. Criteria: ACMG Guidelines, 2015. Collection method: clinical testing. Allele origin: germline.

Literature cited by the submitters: PubMed 22508176 (cited by Division of Genetic & Genomic Pathology, Hong Kong Children's Hospital); PubMed 29529603 (cited by Division of Genetic & Genomic Pathology, Hong Kong Children's Hospital).